The following is an entry in ClinVar:

ClinVar aggregate classification (germline): Uncertain significance (1 of 4 stars; one submission).

Allele frequency attached by ClinVar (database versions not stated): ExAC 0.00007; TOPMed 0.00015; ESP Exome Variant Server 0.00018; 1000 Genomes Project 30x 0.00047.
gnomAD v4.1: 58 of 1,556,096 alleles (0.0037%); highest among the groups gnomAD compares: African/African-American, 0.059%; no homozygotes.

Submission:

Labcorp Genetics (formerly Invitae), Labcorp
Classification: Uncertain significance. Last evaluated: 2025-05-11. Review status: criteria provided, single submitter. Criteria: Invitae Variant Classification Sherloc (09022015). Collection method: clinical testing. Allele origin: germline.
Comment: This sequence change replaces proline, which is neutral and non-polar, with leucine, which is neutral and non-polar, at codon 121 of the RELB protein (p.Pro121Leu). This variant is present in population databases (rs376331542, gnomAD 0.09%), and has an allele count higher than expected for a pathogenic variant. This variant has not been reported in the literature in individuals affected with RELB-related conditions. ClinVar contains an entry for this variant (Variation ID: 1437706). An algorithm developed to predict the effect of missense changes on protein structure and function (PolyPhen-2) suggests that this variant is likely to be tolerated. In summary, the available evidence is currently insufficient to determine the role of this variant in disease. Therefore, it has been classified as a Variant of Uncertain Significance.

NM_006509.4(RELB):c.362C>T (p.Pro121Leu)

Gene: RELB (RELB proto-oncogene, NF-kB subunit; plus strand). Cytogenetic location: 19q13.32.
Variant type: single nucleotide variant.
Coding change: c.362C>T on transcript NM_006509.4 (MANE Select); coding-DNA position 362, C replaced by T.
Protein change: p.Pro121Leu; replaces proline 121 with leucine.
Molecular consequence: missense variant.
Genome position (GRCh38, 1-based): chr19:45,012,134, C>T. VCF-style: chr19-45012134-C-T. GRCh37 (hg19) VCF-style: chr19-45515392-C-T.
Other names: short protein forms P121L.
Identifiers: ClinVar variation 1437706 (VCV001437706.6), dbSNP rs376331542, ClinGen allele CA9507540.